The following is an entry in ClinVar:

NM_001384732.1(CPLANE1):c.3791A>G (p.Glu1264Gly)

Gene: CPLANE1 (ciliogenesis and planar polarity effector complex subunit 1; minus strand). Cytogenetic location: 5p13.2.
Variant type: single nucleotide variant.
Coding change: c.3791A>G on transcript NM_001384732.1 (MANE Select); coding-DNA position 3791, A replaced by G.
Protein change: p.Glu1264Gly; replaces glutamic acid 1264 with glycine.
Molecular consequence: missense variant.
Genome position (GRCh38, 1-based): chr5:37,195,878, T>C on the plus strand (A>G on the coding strand, the complement: CPLANE1 is on the minus strand). VCF-style: chr5-37195878-T-C. GRCh37 (hg19) VCF-style: chr5-37195980-T-C.
Other names: c.3791A>G (NM_023073.3); c.3791A>G, p.Glu1264Gly (NM_023073.4); short protein forms E1264G.
Identifiers: ClinVar variation 2084425 (VCV002084425.5), dbSNP rs1787268039, ClinGen allele CA359509832.

ClinVar aggregate classification (germline): Uncertain significance. Review status: criteria provided, multiple submitters, no conflicts (2 of 4 stars). 2 submissions from 2 submitters: Uncertain significance (2). Last evaluated 2024-06-17.

Conditions:
Orofaciodigital syndrome type 6 (OFD6). Also called: Oral-facial-digital syndrome type 6; Central polydactyly cleft lip/palate or lingual lump and psychomotor retardation; Y-shaped central metacarpal and cerebellar defect; Joubert syndrome with orofacialdigital anomalies; OROFACIODIGITAL SYNDROME VI; OFDS VI. Identifiers: Orphanet 2754, MedGen C2745997, MONDO:0010176, OMIM 277170.
Joubert syndrome 17 (JBTS17). Identifiers: Orphanet 475, MedGen C3553264, MONDO:0013824, OMIM 614615.

Submissions (2):

Fulgent Genetics
Classification: Uncertain significance for Orofaciodigital syndrome type 6; Joubert syndrome 17. Last evaluated: 2024-06-17. Review status: criteria provided, single submitter. Criteria: ACMG Guidelines, 2015. Collection method: clinical testing. Allele origin: germline.

Labcorp Genetics (formerly Invitae), Labcorp
Classification: Uncertain significance. Last evaluated: 2022-08-15. Review status: criteria provided, single submitter. Criteria: Invitae Variant Classification Sherloc (09022015). Collection method: clinical testing. Allele origin: germline.
Comment: This sequence change replaces glutamic acid, which is acidic and polar, with glycine, which is neutral and non-polar, at codon 1264 of the CPLANE1 protein (p.Glu1264Gly). This variant is not present in population databases (gnomAD no frequency). This variant has not been reported in the literature in individuals affected with CPLANE1-related conditions. Advanced modeling of protein sequence and biophysical properties (such as structural, functional, and spatial information, amino acid conservation, physicochemical variation, residue mobility, and thermodynamic stability) performed at Invitae indicates that this missense variant is not expected to disrupt CPLANE1 protein function. In summary, the available evidence is currently insufficient to determine the role of this variant in disease. Therefore, it has been classified as a Variant of Uncertain Significance.